The following is an entry in ClinVar:

NM_002528.7(NTHL1):c.24G>C (p.Met8Ile)

Gene: NTHL1 (nth like DNA glycosylase 1; minus strand). Cytogenetic location: 16p13.3.
Variant type: single nucleotide variant.
Coding change: c.24G>C on transcript NM_002528.7 (MANE Select); coding-DNA position 24, G replaced by C.
Protein change: p.Met8Ile; replaces methionine 8 with isoleucine.
Molecular consequence: missense variant. On other transcripts: 5 prime UTR variant (1).
Genome position (GRCh38, 1-based): chr16:2,047,800, C>G on the plus strand (G>C on the coding strand, the complement: NTHL1 is on the minus strand). VCF-style: chr16-2047800-C-G. GRCh37 (hg19) VCF-style: chr16-2097801-C-G.
Other names: c.24G>C, p.Met8Ile (NM_001318193.2); c.-155G>C (NM_001318194.2); short protein forms M8I.
Identifiers: ClinVar variation 4730323 (VCV004730323.1).

ClinVar aggregate classification (germline): Uncertain significance (1 of 4 stars; one submission).

Submission:

Labcorp Genetics (formerly Invitae), Labcorp
Classification: Uncertain significance. Last evaluated: 2025-11-02. Review status: criteria provided, single submitter. Criteria: Invitae Variant Classification Sherloc (09022015). Collection method: clinical testing. Allele origin: germline.
Comment: This sequence change replaces methionine, which is neutral and non-polar, with isoleucine, which is neutral and non-polar, at codon 16 of the NTHL1 protein (p.Met16Ile). This variant is not present in population databases (gnomAD no frequency). This variant has not been reported in the literature in individuals affected with NTHL1-related conditions. An algorithm developed to predict the effect of missense changes on protein structure and function (PolyPhen-2) suggests that this variant is likely to be tolerated. In summary, the available evidence is currently insufficient to determine the role of this variant in disease. Therefore, it has been classified as a Variant of Uncertain Significance.